The following is an entry in ClinVar:

ClinVar aggregate classification (germline): Uncertain significance (1 of 4 stars; one submission).

Conditions:
Holoprosencephaly 3 (HPE3). Identifiers: Orphanet 2162, MedGen C1840529, MONDO:0007733, OMIM 142945.

gnomAD v4.1: 5 of 152,178 alleles (0.0033%); highest among the groups gnomAD compares: Non-Finnish European, 0.0073%; no homozygotes.

Submission:

Labcorp Genetics (formerly Invitae), Labcorp
Classification: Uncertain significance for Holoprosencephaly 3. Last evaluated: 2024-10-21. Review status: criteria provided, single submitter. Criteria: Invitae Variant Classification Sherloc (09022015). Collection method: clinical testing. Allele origin: germline.
Comment: This variant occurs in a non-coding region of the SHH gene. It does not change the encoded amino acid sequence of the SHH protein. This variant is present in population databases (no rsID available, gnomAD 0.01%). This variant has not been reported in the literature in individuals affected with SHH-related conditions. Experimental studies and prediction algorithms are not available or were not evaluated, and the functional significance of this variant is currently unknown. In summary, the available evidence is currently insufficient to determine the role of this variant in disease. Therefore, it has been classified as a Variant of Uncertain Significance.

NC_000007.14:g.156764036G>T

Genes: LMBR1 (limb development membrane protein 1; minus strand), SHH (sonic hedgehog signaling molecule; minus strand). Cytogenetic location: 7q36.3.
Variant type: single nucleotide variant.
Molecular consequence: intron variant (on NM_022458.4).
Genome position: GRCh38 VCF-style: chr7-156764036-G-T. GRCh37 (hg19) VCF-style: chr7-156556730-G-T.
Other names: c.361-241C>A (NM_001363412.2); c.145-241C>A (NM_001350954.2); c.424-241C>A (NM_001363410.2, NM_022458.4, NM_001363409.2 and 1 more transcripts); c.-33-241C>A (NM_001350958.2, NM_001350956.2, NM_001350955.2 and 1 more transcripts); c.55-241C>A (NM_001350957.2, NM_001363411.2).
Identifiers: ClinVar variation 3697618 (VCV003697618.2).
Genomic context (GRCh38, chr7:156,764,036, plus strand): 5'-GGAAAATATTATTAAGCTTGGATAAAACACAAAAAAAATTCTTCATAAAAAACATCTGCA[G>T]AGCCATTTTTAACAATTACTTTCCTAACACTTTCCACTAACAAAGCAGATTAATGAATTT-3'